The following is an entry in ClinVar:

ClinVar aggregate classification (germline): Benign. Review status: criteria provided, multiple submitters, no conflicts (2 of 4 stars). 7 submissions from 7 submitters: Benign (6). 1 of the submissions does not count toward it. Last evaluated 2026-01-19.

Conditions:
OTOG-related disorder. Also called: OTOG-related condition.

Allele frequency attached by ClinVar (database versions not stated): gnomAD exomes 0.00103 and 0.00239; ExAC 0.00314; gnomAD 0.01153 and 0.01235; TOPMed 0.01277; 1000 Genomes Project 0.01358; 1000 Genomes Project 30x 0.01437.
gnomAD v4.1: 3,291 of 1,537,564 alleles (0.21%); highest among the groups gnomAD compares: African/African-American, 3.9%; 53 homozygotes.

Submissions (7):

Labcorp Genetics (formerly Invitae), Labcorp
Classification: Benign. Last evaluated: 2026-01-19. Review status: criteria provided, single submitter. Criteria: Invitae Variant Classification Sherloc (09022015). Collection method: clinical testing. Allele origin: germline.

Mayo Clinic Laboratories, Mayo Clinic
Classification: Benign. Last evaluated: 2024-10-24. Review status: criteria provided, single submitter. Criteria: ACMG Guidelines, 2015. Collection method: clinical testing. Allele origin: germline. Observed: 1 variant allele.
Comment: BA1, BS2

Athena Diagnostics
Classification: Benign. Last evaluated: 2020-07-09. Review status: criteria provided, single submitter. Criteria: Athena Diagnostics Criteria. Collection method: clinical testing. Allele origin: unknown.

GeneDx
Classification: Benign. Last evaluated: 2018-03-27. Review status: criteria provided, single submitter. Criteria: GeneDx Variant Classification (06012015). Collection method: clinical testing. Allele origin: germline. Affected: yes.
Comment: This variant is considered likely benign or benign based on one or more of the following criteria: it is a conservative change, it occurs at a poorly conserved position in the protein, it is predicted to be benign by multiple in silico algorithms, and/or has population frequency not consistent with disease.

Laboratory for Molecular Medicine, Mass General Brigham Personalized Medicine
Classification: Benign. Last evaluated: 2014-11-24. Review status: criteria provided, single submitter. Criteria: LMM Criteria. Collection method: clinical testing. Allele origin: germline. Observed: 7 variant alleles.
Comment: Ser925Ser in exon 22 of OTOG: This variant is not expected to have clinical sign ificance because it does not alter an amino acid residue and is not located with in the splice consensus sequence. It has been identified in 3.1% (6/194) of Luhy a (Kenyan) chromosomes from a broad population by the 1000 Genomes Project (dbSNP rs55881341).

Breakthrough Genomics
Classification: Benign. Review status: criteria provided, single submitter. Criteria: ACMG Guidelines, 2015. Collection method: not provided. Allele origin: germline. Inheritance: Autosomal recessive inheritance. Affected: yes.

PreventionGenetics, part of Exact Sciences
Classification: Benign for OTOG-related condition. Last evaluated: 2019-07-15. Review status: no assertion criteria provided. Collection method: clinical testing. Allele origin: germline. Not counted in ClinVar's aggregate classification.
Comment: This variant is classified as benign based on ACMG/AMP sequence variant interpretation guidelines (Richards et al. 2015 PMID: 25741868, with internal and published modifications).

NM_001292063.2(OTOG):c.2739G>A (p.Ser913=)

Gene: OTOG (otogelin; plus strand). Cytogenetic location: 11p15.1.
Variant type: single nucleotide variant.
Coding change: c.2739G>A on transcript NM_001292063.2 (MANE Select); coding-DNA position 2739, G replaced by A.
Protein change: p.Ser913=; no amino-acid change (serine 913 retained).
Molecular consequence: synonymous variant.
Genome position (GRCh38, 1-based): chr11:17,578,506, G>A. VCF-style: chr11-17578506-G-A. GRCh37 (hg19) VCF-style: chr11-17600053-G-A.
Other names: p.Ser925=; c.2775G>A, p.Ser925= (NM_001277269.2).
Identifiers: ClinVar variation 226875 (VCV000226875.20), dbSNP rs55881341, ClinGen allele CA5905663.
Genomic context (GRCh38, chr11:17,578,506, plus strand): 5'-GAGGACGTGTGAGCAGCAACTGCTGAACCTGAGCGTGTCAGCCCGTGGCCCCTGCCTCTC[G>A]GGCTGCGCCTGTCCCCAGGGGTAAGTACCCATGGTGTCGTGGGCCCGTGATCCTGAAGGC-3'
Protein context (NP_001278992.1, residues 903-923): LSVSARGPCL[Ser913=]GCACPQGLLR